The following is an entry in ClinVar:

ClinVar aggregate classification (germline): Likely benign. Review status: criteria provided, multiple submitters, no conflicts (2 of 4 stars). 2 submissions from 2 submitters: Likely benign (2). Last evaluated 2026-02-25.

Conditions:
CACNA1D-related disorder.

Allele frequency attached by ClinVar (database versions not stated): 1000 Genomes Project 30x 0.00047; 1000 Genomes Project 0.00060.
gnomAD v4.1: 14 of 1,608,412 alleles (0.00087%); highest among the groups gnomAD compares: East Asian, 0.029%; no homozygotes.

Submissions (2):

PreventionGenetics, part of Exact Sciences
Classification: Likely benign for CACNA1D-related condition. Last evaluated: 2026-02-25. Review status: criteria provided, single submitter. Criteria: ACMG Guidelines, 2015. Collection method: clinical testing. Allele origin: germline.
Comment: This variant is classified as likely benign based on ACMG/AMP sequence variant interpretation guidelines (Richards et al. 2015 PMID: 25741868, with internal and published modifications).

Labcorp Genetics (formerly Invitae), Labcorp
Classification: Likely benign. Last evaluated: 2025-07-13. Review status: criteria provided, single submitter. Criteria: Invitae Variant Classification Sherloc (09022015). Collection method: clinical testing. Allele origin: germline.

NM_001128840.3(CACNA1D):c.3167+10C>G

Gene: CACNA1D (calcium voltage-gated channel subunit alpha1 D; plus strand). Cytogenetic location: 3p21.1.
Variant type: single nucleotide variant.
Coding change: c.3167+10C>G on transcript NM_001128840.3 (MANE Select); 10 bases into the intron after coding-DNA position 3167, C replaced by G.
Molecular consequence: intron variant.
Genome position (GRCh38, 1-based): chr3:53,745,885, C>G. VCF-style: chr3-53745885-C-G. GRCh37 (hg19) VCF-style: chr3-53779912-C-G.
Other names: c.3227+10C>G (NM_000720.3, NM_000720.4); c.3167+10C>G (NM_001128839.3).
Identifiers: ClinVar variation 2414555 (VCV002414555.6), dbSNP rs372522024, ClinGen allele CA2454468.